The following is an entry in ClinVar:

ClinVar aggregate classification (germline): Uncertain significance. Review status: criteria provided, multiple submitters, no conflicts (2 of 4 stars). 2 submissions from 2 submitters: Uncertain significance (2). Last evaluated 2025-04-22.

Conditions:
Developmental and epileptic encephalopathy 94 (DEE94). Also called: CHD2-Related Neurodevelopmental Disorders; Epileptic encephalopathy, childhood-onset. Identifiers: Orphanet 1942, Orphanet 2382, MedGen C3809278, MONDO:0014150, OMIM 615369.

Submissions (2):

Labcorp Genetics (formerly Invitae), Labcorp
Classification: Uncertain significance for Developmental and epileptic encephalopathy 94. Last evaluated: 2025-04-22. Review status: criteria provided, single submitter. Criteria: Invitae Variant Classification Sherloc (09022015). Collection method: clinical testing. Allele origin: germline.
Comment: This sequence change replaces tryptophan, which is neutral and slightly polar, with arginine, which is basic and polar, at codon 1657 of the CHD2 protein (p.Trp1657Arg). This variant is not present in population databases (gnomAD no frequency). This variant has not been reported in the literature in individuals affected with CHD2-related conditions. Invitae Evidence Modeling of protein sequence and biophysical properties (such as structural, functional, and spatial information, amino acid conservation, physicochemical variation, residue mobility, and thermodynamic stability) indicates that this missense variant is not expected to disrupt CHD2 protein function with a negative predictive value of 95%. In summary, the available evidence is currently insufficient to determine the role of this variant in disease. Therefore, it has been classified as a Variant of Uncertain Significance.

GeneDx
Classification: Uncertain significance. Last evaluated: 2025-04-03. Review status: criteria provided, single submitter. Criteria: GeneDx Variant Classification Process June 2021. Collection method: clinical testing. Allele origin: germline. Affected: yes.
Comment: Not observed at significant frequency in large population cohorts (gnomAD); In silico analysis indicates that this missense variant does not alter protein structure/function; Has not been previously published as pathogenic or benign to our knowledge

NM_001271.4(CHD2):c.4969T>C (p.Trp1657Arg)

Gene: CHD2 (chromodomain helicase DNA binding protein 2; plus strand). Cytogenetic location: 15q26.1.
Variant type: single nucleotide variant.
Coding change: c.4969T>C on transcript NM_001271.4 (MANE Select); coding-DNA position 4969, T replaced by C.
Protein change: p.Trp1657Arg; replaces tryptophan 1657 with arginine.
Molecular consequence: missense variant.
Genome position (GRCh38, 1-based): chr15:93,020,074, T>C. VCF-style: chr15-93020074-T-C. GRCh37 (hg19) VCF-style: chr15-93563304-T-C.
Other names: short protein forms W1657R.
Identifiers: ClinVar variation 4278844 (VCV004278844.2).